The following is an entry in ClinVar:

ClinVar aggregate classification (germline): Likely benign (0 of 4 stars; one submission).

Conditions:
TMEM107-related disorder. Also called: TMEM107-related condition.

Allele frequency attached by ClinVar (database versions not stated): 1000 Genomes Project 0.00679; TOPMed 0.00679; 1000 Genomes Project 30x 0.00781.

Submission:

PreventionGenetics, part of Exact Sciences
Classification: Likely benign for TMEM107-related condition. Last evaluated: 2023-02-10. Review status: no assertion criteria provided. Collection method: clinical testing. Allele origin: germline.
Comment: This variant is classified as likely benign based on ACMG/AMP sequence variant interpretation guidelines (Richards et al. 2015 PMID: 25741868, with internal and published modifications).

NM_183065.4(TMEM107):c.*611C>T

Gene: TMEM107 (transmembrane protein 107; minus strand). Cytogenetic location: 17p13.1.
Variant type: single nucleotide variant.
Coding change: c.*611C>T on transcript NM_183065.4 (MANE Select); 611 bases downstream of the stop codon, C replaced by T.
Molecular consequence: 3 prime UTR variant. On other transcripts: non-coding transcript variant (1).
Genome position (GRCh38, 1-based): chr17:8,173,592, G>A on the plus strand (C>T on the coding strand, the complement: TMEM107 is on the minus strand). VCF-style: chr17-8173592-G-A. GRCh37 (hg19) VCF-style: chr17-8076910-G-A.
Other names: c.*611C>T (NM_001351278.2, NM_001351279.2, NM_001351280.2 and 1 more transcripts).
Identifiers: ClinVar variation 3031573 (VCV003031573.2), dbSNP rs200948445, ClinGen allele CA8370860.
Genomic context (GRCh38, chr17:8,173,592, plus strand): 5'-CATGTTCTAATCTGCCCTCCGGAGGAGGAACAGGTAAGGATTATCCCACCTGACGATACA[G>A]ACAAACAGCCGACATTCTGCACTCAGTGAAAAAGATTCCGTTACAAGCTAGGGTGAGTTC-3'